The following is an entry in ClinVar:

NM_017654.4(SAMD9):c.3067G>A (p.Gly1023Arg)

Gene: SAMD9 (sterile alpha motif domain containing 9; minus strand). Cytogenetic location: 7q21.2.
Variant type: single nucleotide variant.
Coding change: c.3067G>A on transcript NM_017654.4 (MANE Select); coding-DNA position 3067, G replaced by A.
Protein change: p.Gly1023Arg; replaces glycine 1023 with arginine.
Molecular consequence: missense variant.
Genome position (GRCh38, 1-based): chr7:93,103,031, C>T on the plus strand (G>A on the coding strand, the complement: SAMD9 is on the minus strand). VCF-style: chr7-93103031-C-T. GRCh37 (hg19) VCF-style: chr7-92732344-C-T.
Other names: c.3067G>A, p.Gly1023Arg (NM_001193307.2); short protein forms G1023R.
Identifiers: ClinVar variation 2862328 (VCV002862328.3), dbSNP rs2535356588, ClinGen allele CA368188906.

ClinVar aggregate classification (germline): Uncertain significance (1 of 4 stars; one submission).

Submission:

Labcorp Genetics (formerly Invitae), Labcorp
Classification: Uncertain significance. Last evaluated: 2023-05-05. Review status: criteria provided, single submitter. Criteria: Invitae Variant Classification Sherloc (09022015). Collection method: clinical testing. Allele origin: germline.
Comment: This variant has not been reported in the literature in individuals affected with SAMD9-related conditions. This variant is not present in population databases (gnomAD no frequency). This sequence change replaces glycine, which is neutral and non-polar, with arginine, which is basic and polar, at codon 1023 of the SAMD9 protein (p.Gly1023Arg). Algorithms developed to predict the effect of missense changes on protein structure and function output the following: SIFT: "Not Available"; PolyPhen-2: "Benign"; Align-GVGD: "Not Available". The arginine amino acid residue is found in multiple mammalian species, which suggests that this missense change does not adversely affect protein function. In summary, the available evidence is currently insufficient to determine the role of this variant in disease. Therefore, it has been classified as a Variant of Uncertain Significance.